The following is an entry in ClinVar:

NM_017988.6(SCYL2):c.598dup (p.Cys200fs)

Gene: SCYL2 (SCY1 like pseudokinase 2; plus strand). Cytogenetic location: 12q23.1.
Variant type: Duplication.
Coding change: c.598dup on transcript NM_017988.6 (MANE Select); coding-DNA position 598, one base duplicated (T; older notation c.598dupT).
Protein change: p.Cys200fs; shifts the reading frame from cysteine 200.
Molecular consequence: frameshift variant.
Genome position (GRCh38, 1-based): chr12:100,311,161, T duplicated; the last of 5 consecutive T bases (chr12:100,311,157-100,311,161); duplicating any one gives the same sequence. VCF-style (leftmost placement, unchanged base first): chr12-100311156-A-AT. GRCh37 (hg19) VCF-style: chr12-100704934-A-AT.
Other names: c.598dup, p.Cys200fs (NM_001317784.2, NM_001330253.2, NM_001330254.2); c.79dup, p.Cys27fs (NM_001330256.2); short protein forms C200fs, C27fs.
Identifiers: ClinVar variation 2671711 (VCV002671711.1), dbSNP rs2500080530, ClinGen allele CA481484990.

ClinVar aggregate classification (germline): Likely pathogenic (1 of 4 stars; one submission).

Conditions:
Arthrogryposis multiplex congenita 4, neurogenic, with agenesis of the corpus callosum. Also called: ZAIN SYNDROME; ARTHROGRYPOSIS MULTIPLEX CONGENITA, NEUROGENIC, WITH AGENESIS OF THE CORPUS CALLOSUM. Identifiers: MedGen C5231494, MONDO:0032903, OMIM 618766.

Submission:

Neuberg Centre For Genomic Medicine, NCGM
Classification: Likely pathogenic for Arthrogryposis multiplex congenita 4, neurogenic, with agenesis of the corpus callosum. Last evaluated: 2023-02-14. Review status: criteria provided, single submitter. Criteria: ACMG Guidelines, 2015. Collection method: clinical testing. Allele origin: germline. Inheritance: Autosomal recessive inheritance. Affected: yes.
Comment: The frameshift c.598dup (p.Cys200LeufsTer9) variant in SCYL2 gene has not been reported previously as a pathogenic variant nor as a benign variant, to our knowledge. The p.Cys200LeufsTer9 variant is novel (not in any individuals) in both gnomAD Exomes and 1000 Genomes databases. This variant has not been reported to the ClinVar database. This variant causes a frameshift starting with codon Cysteine 200, changes this amino acid to Leucine residue, and creates a premature Stop codon at position 9 of the new reading frame, denoted p.Cys200LeufsTer9. This variant is predicted to cause loss of normal protein function through protein truncation. Loss of function variants have been previously reported to be disease causing. Additional studies will be required to prove the pathogenicity of this variant. For these reasons, this variant has been classified as Likely Pathogenic.